The following is an entry in ClinVar:

ClinVar aggregate classification (germline): Likely benign (1 of 4 stars; one submission).

Submission:

CeGaT Center for Human Genetics Tuebingen
Classification: Likely benign. Last evaluated: 2026-03-01. Review status: criteria provided, single submitter. Criteria: CeGaT Center For Human Genetics Tuebingen Variant Classification Criteria Version 2. Collection method: clinical testing. Allele origin: germline. Affected: yes. Observed: 1 variant allele.
Comment: AGBL5: PM2:Supporting, BP4, BP7

NM_021831.6(AGBL5):c.2089+26A>G

Gene: AGBL5 (AGBL carboxypeptidase 5; plus strand). Cytogenetic location: 2p23.3.
Variant type: single nucleotide variant.
Coding change: c.2089+26A>G on transcript NM_021831.6 (MANE Select); 26 bases into the intron after coding-DNA position 2089, A replaced by G.
Molecular consequence: intron variant. On other transcripts: synonymous variant (1).
Genome position (GRCh38, 1-based): chr2:27,059,430, A>G. VCF-style: chr2-27059430-A-G. GRCh37 (hg19) VCF-style: chr2-27282298-A-G.
Other names: c.2115A>G, p.Gln705= (NM_001035507.3).
Identifiers: ClinVar variation 4823663 (VCV004823663.4).